The following is an entry in ClinVar:

ClinVar aggregate classification (germline): Likely benign (1 of 4 stars; one submission).

Allele frequency attached by ClinVar (database versions not stated): gnomAD exomes 0.00001 and 0.00004; TOPMed 0.00002; gnomAD 0.00003.
gnomAD v4.1: 65 of 1,614,116 alleles (0.004%); highest among the groups gnomAD compares: Non-Finnish European, 0.0054%; no homozygotes.

Submission:

CeGaT Center for Human Genetics Tuebingen
Classification: Likely benign. Last evaluated: 2022-03-01. Review status: criteria provided, single submitter. Criteria: CeGaT Center For Human Genetics Tuebingen Variant Classification Criteria Version 2. Collection method: clinical testing. Allele origin: germline. Affected: yes. Observed: 1 variant allele.
Comment: KIFBP: BP4, BP7

NM_015634.4(KIFBP):c.1110G>A (p.Leu370=)

Gene: KIFBP (kinesin family binding protein; plus strand). Cytogenetic location: 10q22.1.
Variant type: single nucleotide variant.
Coding change: c.1110G>A on transcript NM_015634.4 (MANE Select); coding-DNA position 1110, G replaced by A.
Protein change: p.Leu370=; no amino-acid change (leucine 370 retained).
Molecular consequence: synonymous variant.
Genome position (GRCh38, 1-based): chr10:69,015,660, G>A. VCF-style: chr10-69015660-G-A. GRCh37 (hg19) VCF-style: chr10-70775416-G-A.
Identifiers: ClinVar variation 1675421 (VCV001675421.33), dbSNP rs1398467091, ClinGen allele CA470275749.